The following is an entry in ClinVar:

ClinVar aggregate classification (germline): Uncertain significance (1 of 4 stars; one submission).

Conditions:
Desmin-related myofibrillar myopathy (MFM1). Also called: Desminopathy; Desmin related myopathy (former name); Desmin storage myopathy (former name); MYOFIBRILLAR MYOPATHY WITH ARRHYTHMOGENIC RIGHT VENTRICULAR CARDIOMYOPATHY; DESMIN-RELATED MYOPATHY WITH ARRHYTHMOGENIC RIGHT VENTRICULAR CARDIOMYOPATHY; Myofibrillar myopathy 1. Identifiers: Orphanet 363543, Orphanet 98909, MedGen C1832370, MONDO:0011076, OMIM 601419.

Submission:

Labcorp Genetics (formerly Invitae), Labcorp
Classification: Uncertain significance for Desmin-related myofibrillar myopathy. Last evaluated: 2024-08-03. Review status: criteria provided, single submitter. Criteria: Invitae Variant Classification Sherloc (09022015). Collection method: clinical testing. Allele origin: germline.
Comment: This sequence change replaces glycine, which is neutral and non-polar, with serine, which is neutral and polar, at codon 362 of the DES protein (p.Gly362Ser). This variant is not present in population databases (gnomAD no frequency). This variant has not been reported in the literature in individuals affected with DES-related conditions. Advanced modeling of protein sequence and biophysical properties (such as structural, functional, and spatial information, amino acid conservation, physicochemical variation, residue mobility, and thermodynamic stability) has been performed at Invitae for this missense variant, however the output from this modeling did not meet the statistical confidence thresholds required to predict the impact of this variant on DES protein function. In summary, the available evidence is currently insufficient to determine the role of this variant in disease. Therefore, it has been classified as a Variant of Uncertain Significance.

NM_001927.4(DES):c.1084G>A (p.Gly362Ser)

Gene: DES (desmin; plus strand). Cytogenetic location: 2q35.
Variant type: single nucleotide variant.
Coding change: c.1084G>A on transcript NM_001927.4 (MANE Select); coding-DNA position 1084, G replaced by A.
Protein change: p.Gly362Ser; replaces glycine 362 with serine.
Molecular consequence: missense variant. On other transcripts: intron variant (2).
Genome position (GRCh38, 1-based): chr2:219,421,400, G>A. VCF-style: chr2-219421400-G-A. GRCh37 (hg19) VCF-style: chr2-220286122-G-A.
Other names: c.1081G>A, p.Gly361Ser (NM_001382708.1); c.1063G>A, p.Gly355Ser (NM_001382711.1); c.1084G>A, p.Gly362Ser (NM_001382712.1); c.814G>A, p.Gly272Ser (NM_001382713.1); c.1024-9G>A (NM_001382710.1); c.736-84G>A (NM_001382709.1); short protein forms G272S, G355S, G361S, G362S.
Identifiers: ClinVar variation 3757518 (VCV003757518.2).